The following is an entry in ClinVar:

ClinVar aggregate classification (germline): Likely benign. Review status: criteria provided, multiple submitters, no conflicts (2 of 4 stars). 3 submissions from 3 submitters: Likely benign (3). Last evaluated 2026-05-01.

Allele frequency attached by ClinVar (database versions not stated): gnomAD exomes 0.00001; ExAC 0.00002; TOPMed 0.00002.
gnomAD v4.1: 16 of 1,613,538 alleles (0.00099%); highest among the groups gnomAD compares: Admixed American, 0.005%; no homozygotes.

Submissions (3):

CeGaT Center for Human Genetics Tuebingen
Classification: Likely benign. Last evaluated: 2026-05-01. Review status: criteria provided, single submitter. Criteria: CeGaT Center For Human Genetics Tuebingen Variant Classification Criteria Version 2. Collection method: clinical testing. Allele origin: germline. Affected: yes. Observed: 1 variant allele.
Comment: CYFIP2: BP4, BP7

Labcorp Genetics (formerly Invitae), Labcorp
Classification: Likely benign. Last evaluated: 2025-12-08. Review status: criteria provided, single submitter. Criteria: Invitae Variant Classification Sherloc (09022015). Collection method: clinical testing. Allele origin: germline.

Blueprint Genetics
Classification: Likely benign. Last evaluated: 2024-08-30. Review status: criteria provided, single submitter. Criteria: ACMG Guidelines, 2015. Collection method: clinical testing. Allele origin: germline.

NM_001037333.3(CYFIP2):c.171A>G (p.Ala57=)

Gene: CYFIP2 (cytoplasmic FMR1 interacting protein 2; plus strand). Cytogenetic location: 5q33.3.
Variant type: single nucleotide variant.
Coding change: c.171A>G on transcript NM_001037333.3 (MANE Select); coding-DNA position 171, A replaced by G.
Protein change: p.Ala57=; no amino-acid change (alanine 57 retained).
Molecular consequence: synonymous variant.
Genome position (GRCh38, 1-based): chr5:157,287,072, A>G. VCF-style: chr5-157287072-A-G. GRCh37 (hg19) VCF-style: chr5-156714081-A-G.
Other names: c.171A>G, p.Ala57= (NM_001291721.2, NM_001291722.2, NM_014376.4).
Identifiers: ClinVar variation 2081396 (VCV002081396.7), dbSNP rs757670706, ClinGen allele CA3533276.